The following is an entry in ClinVar:

ClinVar aggregate classification (germline): Uncertain significance (1 of 4 stars; one submission).

Conditions:
Ehlers-Danlos syndrome, type 4 (EDSVASC). Also called: Ehlers-Danlos syndrome vascular type; Ehlers Danlos syndrome, ecchymotic type; Ehlers Danlos syndrome, arterial type; Ehlers Danlos syndrome, Sack-Barabas type; Ehlers-Danlos Syndrome Type IV. Identifiers: Orphanet 286, MedGen C0268338, MONDO:0017314, OMIM 130050.

gnomAD v4.1: 6 of 1,613,192 alleles (0.00037%); highest among the groups gnomAD compares: Non-Finnish European, 0.00051%; no homozygotes.

Submission:

Labcorp Genetics (formerly Invitae), Labcorp
Classification: Uncertain significance for Ehlers-Danlos syndrome, type 4. Last evaluated: 2025-05-18. Review status: criteria provided, single submitter. Criteria: Invitae Variant Classification Sherloc (09022015). Collection method: clinical testing. Allele origin: germline.
Comment: This sequence change replaces valine, which is neutral and non-polar, with alanine, which is neutral and non-polar, at codon 919 of the COL3A1 protein (p.Val919Ala). This variant is not present in population databases (gnomAD no frequency). This variant has not been reported in the literature in individuals affected with COL3A1-related conditions. Invitae Evidence Modeling of protein sequence and biophysical properties (such as structural, functional, and spatial information, amino acid conservation, physicochemical variation, residue mobility, and thermodynamic stability) indicates that this missense variant is not expected to disrupt COL3A1 protein function with a negative predictive value of 95%. In summary, the available evidence is currently insufficient to determine the role of this variant in disease. Therefore, it has been classified as a Variant of Uncertain Significance.

NM_000090.4(COL3A1):c.2756T>C (p.Val919Ala)

Gene: COL3A1 (collagen type III alpha 1 chain; plus strand). Cytogenetic location: 2q32.2.
Variant type: single nucleotide variant.
Coding change: c.2756T>C on transcript NM_000090.4 (MANE Select); coding-DNA position 2756, T replaced by C.
Protein change: p.Val919Ala; replaces valine 919 with alanine.
Molecular consequence: missense variant.
Genome position (GRCh38, 1-based): chr2:189,004,076, T>C. VCF-style: chr2-189004076-T-C. GRCh37 (hg19) VCF-style: chr2-189868802-T-C.
Other names: short protein forms V919A.
Identifiers: ClinVar variation 4771298 (VCV004771298.1).